The following is an entry in ClinVar:

NM_000089.4(COL1A2):c.1873G>T (p.Gly625Cys)

Gene: COL1A2 (collagen type I alpha 2 chain; plus strand). Cytogenetic location: 7q21.3.
Variant type: single nucleotide variant.
Coding change: c.1873G>T on transcript NM_000089.4 (MANE Select); coding-DNA position 1873, G replaced by T.
Protein change: p.Gly625Cys; replaces glycine 625 with cysteine.
Molecular consequence: missense variant.
Genome position (GRCh38, 1-based): chr7:94,417,733, G>T. VCF-style: chr7-94417733-G-T. GRCh37 (hg19) VCF-style: chr7-94047045-G-T.
Other names: c.1873G>T (NM_000089.3); short protein forms G625C.
Identifiers: ClinVar variation 1488079 (VCV001488079.13), dbSNP rs193922162, ClinGen allele CA368222785.

ClinVar aggregate classification (germline): Pathogenic/Likely pathogenic. Review status: criteria provided, multiple submitters, no conflicts (2 of 4 stars). 4 submissions from 4 submitters: Pathogenic (1); Likely pathogenic (2). 1 of the submissions does not count toward it. Last evaluated 2022-09-02.

Conditions:
Osteogenesis imperfecta, perinatal lethal (OI2). Also called: OSTEOGENESIS IMPERFECTA, TYPE II; OI, TYPE II; OSTEOGENESIS IMPERFECTA CONGENITA; VROLIK TYPE OF OSTEOGENESIS IMPERFECTA; Osteogenesis imperfecta type 2; Osteogenesis imperfecta, dominant perinatal lethal. Identifiers: Orphanet 216804, MedGen C0268358, MONDO:0008147, OMIM 166210.
Osteogenesis imperfecta type III (OI3). Also called: Osteogenesis imperfecta type 3; OI type 3; Osteogenesis imperfecta, progressively deforming with normal sclerae; OI type III; Progressively Deforming Osteogenesis Imperfecta. Identifiers: Orphanet 216812, Orphanet 666, MedGen C0268362, MONDO:0009804, OMIM 259420.
Ehlers-Danlos syndrome, classic type, 1 (EDSCL1). Also called: EHLERS-DANLOS SYNDROME, GRAVIS TYPE; EHLERS-DANLOS SYNDROME, SEVERE CLASSIC TYPE; Ehlers-Danlos syndrome, type 1; Ehlers-Danlos Syndrome, Classic Type, COL5A1-Related; EDS I. Identifiers: MedGen C0268335, MONDO:0019567, OMIM 130000.
Osteogenesis imperfecta type I (OI1). Also called: OI, TYPE I; OSTEOGENESIS IMPERFECTA TARDA; OSTEOGENESIS IMPERFECTA WITH BLUE SCLERAE; Osteogenesis imperfecta type 1; Lobstein's Disease; Lobstein disease. Identifiers: Orphanet 216796, Orphanet 666, MedGen C0023931, MONDO:0008146, OMIM 166200. Disease mechanism: loss of function.

Submissions (4):

Victorian Clinical Genetics Services, Murdoch Childrens Research Institute
Classification: Pathogenic for Osteogenesis imperfecta, perinatal lethal. Last evaluated: 2022-09-02. Review status: criteria provided, single submitter. Criteria: ACMG Guidelines, 2015. Collection method: clinical testing. Allele origin: germline. Inheritance: Autosomal dominant inheritance. Affected: yes.
Comment: Based on the classification scheme VCGS_Germline_v1.3.4, this variant is classified as Pathogenic. Following criteria are met: 0103 - Dominant negative and loss of function are known mechanisms of disease in this gene. Heterozygous missense variants causing severe and lethal forms of osteogenesis imperfecta (MIM#166210, 259420, 166220) are due to a dominant negative mechanism, whereas biallelic loss of function variants result in the autosomal recessive form of Ehlers-Danlos syndrome (MIM#225320). The exact mechanism of disease for the autosomal dominant form of Ehlers-Danlos syndrome (MIM#2617821) remains unclear, however variants have been shown to result in the whole or partial skipping of exon 6 (PMID: 12362985, PMID: 31218159). (I) 0108 - This gene is associated with both recessive and dominant disease. Most phenotypes associated with this gene are autosomal dominant, however the cardiac valvular type of Ehlers-Danlos syndrome (MIM#225320) is recessively inherited (OMIM). (I) 0115 - Variants in this gene are known to have variable expressivity (GeneReviews). (I) 0200 - Variant is predicted to result in a missense amino acid change from glycine to cysteine. (I) 0251 - This variant is heterozygous. (I) 0301 - Variant is absent from gnomAD (both v2 and v3). (SP) 0309 - An alternative amino acid change at the same position has been observed in gnomAD (v2) (1 heterozygote, 0 homozygotes). (I) 0501 - Missense variant consistently predicted to be damaging by multiple in silico tools or highly conserved with a major amino acid change. (SP) 0601 - Variant is located in the well-established functional glycine residue within a triple helical repeat (DECIPHER). (SP) 0703 - Other missense variants comparable to the one identified in this case have moderate previous evidence for pathogenicity. p.(Gly625Ala) and p.(Gly625Ser) have been reported as likely pathogenic (ClinVar), and p.(Gly625Asp) is reported in a fetus with osteogenesis imperfecta type II (PMID: 24863959). (SP) 0803 - This variant has limited previous evidence of pathogenicity in an unrelated individual. This variant has been previously reported as likely pathogenic (ClinVar). (SP) 0905 - No published segregation evidence has been identified for this variant. (I) 1007 - No published functional evidence has been identified for this variant. (I) 1102 - Strong phenotype match for this individual. (SP) 1208 - Inheritance information for this variant is not currently available in this individual. (I) Legend: (SP) - Supporting pathogenic, (I) - Information, (SB) - Supporting benign

Centre of Medical Genetics, University Hospital Muenster
Classification: Likely pathogenic. Last evaluated: 2021-12-08. Review status: criteria provided, single submitter. Criteria: ACMG Guidelines, 2015. Collection method: clinical testing. Allele origin: unknown. Affected: yes. Observed: 1 variant allele, 1 heterozygote.
Comment: ACMG categories: PM1,PM2,PM5,PP3,BP1

Labcorp Genetics (formerly Invitae), Labcorp
Classification: Likely pathogenic for Osteogenesis imperfecta type I; Ehlers-Danlos syndrome, classic type, 1. Last evaluated: 2021-04-27. Review status: criteria provided, single submitter. Criteria: Invitae Variant Classification Sherloc (09022015). Collection method: clinical testing. Allele origin: germline.
Comment: In summary, the currently available evidence indicates that the variant is pathogenic, but additional data are needed to prove that conclusively. Therefore, this variant has been classified as Likely Pathogenic. This variant disrupts the triple helix domain of COL1A2. Glycine residues within the Gly-Xaa-Yaa repeats of the triple helix domain are required for the structure and stability of fibrillar collagens (PMID: 7695699, 8218237, 19344236). In COL1A2, variants affecting these glycine residues are significantly enriched in individuals with disease (PMID: 9016532, 17078022) compared to the general population (ExAC). Advanced modeling of protein sequence and biophysical properties (such as structural, functional, and spatial information, amino acid conservation, physicochemical variation, residue mobility, and thermodynamic stability) performed at Invitae indicates that this missense variant is expected to disrupt COL1A2 protein function. This variant has not been reported in the literature in individuals with COL1A2-related conditions. This variant is not present in population databases (ExAC no frequency). This sequence change replaces glycine with cysteine at codon 625 of the COL1A2 protein (p.Gly625Cys). The glycine residue is highly conserved and there is a large physicochemical difference between glycine and cysteine.

Autoinflammatory diseases unit, CHU de Montpellier
Classification: Likely pathogenic for Osteogenesis imperfecta type III. Last evaluated: 2024-10-03. Review status: no assertion criteria provided. Collection method: clinical testing. Allele origin: de novo. Affected: yes. Not counted in ClinVar's aggregate classification.

Literature cited by the submitters: PubMed 12362985 (cited by Victorian Clinical Genetics Services, Murdoch Childrens Research Institute); PubMed 24863959 (cited by Victorian Clinical Genetics Services, Murdoch Childrens Research Institute); PubMed 31218159 (cited by Victorian Clinical Genetics Services, Murdoch Childrens Research Institute); PubMed 7695699 (cited by Labcorp Genetics (formerly Invitae), Labcorp); PubMed 8218237 (cited by Labcorp Genetics (formerly Invitae), Labcorp); PubMed 19344236 (cited by Labcorp Genetics (formerly Invitae), Labcorp); PubMed 9016532 (cited by Labcorp Genetics (formerly Invitae), Labcorp); PubMed 17078022 (cited by Labcorp Genetics (formerly Invitae), Labcorp).